The following is an entry in ClinVar:

NM_001430.5(EPAS1):c.1263C>A (p.Phe421Leu)

Gene: EPAS1 (endothelial PAS domain protein 1; plus strand). Cytogenetic location: 2p21.
Variant type: single nucleotide variant.
Coding change: c.1263C>A on transcript NM_001430.5 (MANE Select); coding-DNA position 1263, C replaced by A.
Protein change: p.Phe421Leu; replaces phenylalanine 421 with leucine.
Molecular consequence: missense variant.
Genome position (GRCh38, 1-based): chr2:46,377,907, C>A. VCF-style: chr2-46377907-C-A. GRCh37 (hg19) VCF-style: chr2-46605046-C-A.
Other names: short protein forms F421L.
Identifiers: ClinVar variation 2456508 (VCV002456508.5), dbSNP rs142534349, ClinGen allele CA1644941.

ClinVar aggregate classification (germline): Uncertain significance. Review status: criteria provided, multiple submitters, no conflicts (2 of 4 stars). 2 submissions from 2 submitters: Uncertain significance (2). Last evaluated 2025-08-20.

Conditions:
Inborn genetic diseases. Identifiers: MedGen C0950123, MeSH D030342.

Allele frequency attached by ClinVar (database versions not stated): TOPMed 0.00004; ESP Exome Variant Server 0.00008.
gnomAD v4.1: 27 of 1,552,582 alleles (0.0017%); highest among the groups gnomAD compares: Non-Finnish European, 0.0022%; no homozygotes.

Submissions (2):

Labcorp Genetics (formerly Invitae), Labcorp
Classification: Uncertain significance. Last evaluated: 2025-08-20. Review status: criteria provided, single submitter. Criteria: Invitae Variant Classification Sherloc (09022015). Collection method: clinical testing. Allele origin: germline.
Comment: This sequence change replaces phenylalanine, which is neutral and non-polar, with leucine, which is neutral and non-polar, at codon 421 of the EPAS1 protein (p.Phe421Leu). This variant is present in population databases (rs142534349, gnomAD 0.004%). This variant has not been reported in the literature in individuals affected with EPAS1-related conditions. ClinVar contains an entry for this variant (Variation ID: 2456508). An algorithm developed to predict the effect of missense changes on protein structure and function (PolyPhen-2) suggests that this variant is likely to be tolerated. In summary, the available evidence is currently insufficient to determine the role of this variant in disease. Therefore, it has been classified as a Variant of Uncertain Significance.

Ambry Genetics
Classification: Uncertain significance for Inborn genetic diseases. Last evaluated: 2025-01-17. Review status: criteria provided, single submitter. Criteria: Ambry Variant Classification Scheme 2023. Collection method: clinical testing. Allele origin: germline.